The following is an entry in ClinVar:

NM_021098.3(CACNA1H):c.6893G>C (p.Gly2298Ala)

Gene: CACNA1H (calcium voltage-gated channel subunit alpha1 H; plus strand). Cytogenetic location: 16p13.3.
Variant type: single nucleotide variant.
Coding change: c.6893G>C on transcript NM_021098.3 (MANE Select); coding-DNA position 6893, G replaced by C.
Protein change: p.Gly2298Ala; replaces glycine 2298 with alanine.
Molecular consequence: missense variant.
Genome position (GRCh38, 1-based): chr16:1,220,825, G>C. VCF-style: chr16-1220825-G-C. GRCh37 (hg19) VCF-style: chr16-1270825-G-C.
Other names: c.6875G>C, p.Gly2292Ala (NM_001005407.2); short protein forms G2292A, G2298A.
Identifiers: ClinVar variation 3754237 (VCV003754237.2).

ClinVar aggregate classification (germline): Uncertain significance (1 of 4 stars; one submission).

Conditions:
Hyperaldosteronism, familial, type IV (HALD4). Also called: FH IV; ALDOSTERONISM, PRIMARY, AND HYPERTENSION. Identifiers: Orphanet 642671, MedGen C4310756, MONDO:0014875, OMIM 617027.
Idiopathic generalized epilepsy. Also called: EIG; Generalised epilepsy. Identifiers: MedGen C0270850, MONDO:0005579, OMIM 600669.

gnomAD v4.1: 1 of 1,612,716 alleles (0.000062%); highest among the groups gnomAD compares: Non-Finnish European, 0.000085%; no homozygotes.

Submission:

Labcorp Genetics (formerly Invitae), Labcorp
Classification: Uncertain significance for Idiopathic generalized epilepsy; Hyperaldosteronism, familial, type IV. Last evaluated: 2024-02-15. Review status: criteria provided, single submitter. Criteria: Invitae Variant Classification Sherloc (09022015). Collection method: clinical testing. Allele origin: germline.
Comment: This sequence change replaces glycine, which is neutral and non-polar, with alanine, which is neutral and non-polar, at codon 2298 of the CACNA1H protein (p.Gly2298Ala). This variant is not present in population databases (gnomAD no frequency). This variant has not been reported in the literature in individuals affected with CACNA1H-related conditions. Advanced modeling of protein sequence and biophysical properties (such as structural, functional, and spatial information, amino acid conservation, physicochemical variation, residue mobility, and thermodynamic stability) performed at Invitae indicates that this missense variant is not expected to disrupt CACNA1H protein function with a negative predictive value of 95%. In summary, the available evidence is currently insufficient to determine the role of this variant in disease. Therefore, it has been classified as a Variant of Uncertain Significance.